The following is an entry in ClinVar:

ClinVar aggregate classification (germline): Uncertain significance (1 of 4 stars; one submission).

Conditions:
Long QT syndrome (LQTS). Identifiers: MedGen C0023976, MeSH D008133, MONDO:0002442. Disease mechanism: loss of function. Inheritance: Various modes of inheritance.

Submission:

All of Us Research Program, National Institutes of Health
Classification: Uncertain significance for Long QT syndrome. Last evaluated: 2023-06-08. Review status: criteria provided, single submitter. Criteria: ACMG Guidelines, 2015. Collection method: clinical testing. Allele origin: germline. Inheritance: Autosomal dominant inheritance. Observed: 1 variant allele, 1 heterozygote.
Comment: This missense variant replaces alanine with threonine at codon 283 of the KCNQ1 protein. Computational prediction suggests that this variant may have deleterious impact on protein structure and function (internally defined REVEL score threshold >= 0.7, PMID: 27666373). A functional study has shown that this variant causes a significant reduction in potassium channel current when expressed in HEK293 cells (PMID: 23571586). This variant has been reported in an individual affected with intrauterine fetal death (PMID: 23571586). This variant has not been identified in the general population by the Genome Aggregation Database (gnomAD). Although there is a suspicion for a pathogenic role, the available evidence is insufficient to determine the role of this variant in disease conclusively. Therefore, this variant is classified as a Variant of Uncertain Significance

This study involves interpretation of variants in research participants for the purpose of population health screening. Participant phenotype was not available at the time of variant classification. Additional details can be found in publication PMID: 35346344, PMCID: PMC8962531

Literature cited by the submitters: PubMed 23571586.

NM_000218.3(KCNQ1):c.847G>A (p.Ala283Thr)

Gene: KCNQ1 (potassium voltage-gated channel subfamily Q member 1; plus strand). Cytogenetic location: 11p15.5.
Variant type: single nucleotide variant.
Coding change: c.847G>A on transcript NM_000218.3 (MANE Select); coding-DNA position 847, G replaced by A.
Protein change: p.Ala283Thr; replaces alanine 283 with threonine.
Molecular consequence: missense variant. On other transcripts: intron variant (1).
Genome position (GRCh38, 1-based): chr11:2,572,912, G>A. VCF-style: chr11-2572912-G-A. GRCh37 (hg19) VCF-style: chr11-2594142-G-A.
Other names: c.847G>A, p.Ala283Thr (NM_001406836.1); c.577G>A, p.Ala193Thr (NM_001406837.1); c.466G>A, p.Ala156Thr (NM_181798.2); c.478-10523G>A (NM_001406838.1); short protein forms A156T, A193T, A283T.
Identifiers: ClinVar variation 3071644 (VCV003071644.1), dbSNP rs1060500627, ClinGen allele CA379131503.